The following is an entry in ClinVar:

ClinVar aggregate classification (germline): Pathogenic (1 of 4 stars; one submission).

Conditions:
Age related macular degeneration 4. Identifiers: MedGen C1853147, MONDO:0012540, OMIM 610698.

gnomAD v4.1: 4 of 1,605,506 alleles (0.00025%); highest among the groups gnomAD compares: Non-Finnish European, 0.00034%; no homozygotes.

Submission:

Genomenon, Inc
Classification: Pathogenic for Age related macular degeneration 4. Last evaluated: 2025-10-02. Review status: criteria provided, single submitter. Criteria: Genomenon Sequence Variant Interpretation Standards - Updated. Collection method: curation. Allele origin: germline. Affected: yes.
Comment: CFH c.351-2A>G is a canonical splice variant located in the acceptor splice region of intron 3. It is predicted to affect mRNA splicing, leading to a deleterious effect on the CFH protein. This variant has been observed in at least one proband affected with age-related macular degeneration (PMID:38683564). The variant was found to segregate with disease in at least one affected family (PMID:38683564). It is absent or not present at a significant frequency in gnomAD. In conclusion, we classify CFH c.351-2A>G as a pathogenic variant.

Literature cited by the submitters: PubMed 38683564.

NM_000186.4(CFH):c.351-2A>G

Gene: CFH (complement factor H; plus strand). Cytogenetic location: 1q31.3.
Variant type: single nucleotide variant.
Coding change: c.351-2A>G on transcript NM_000186.4 (MANE Select); the canonical splice acceptor site of the intron before coding-DNA position 351, A replaced by G.
Molecular consequence: splice acceptor variant.
Genome position (GRCh38, 1-based): chr1:196,675,987, A>G. VCF-style: chr1-196675987-A-G. GRCh37 (hg19) VCF-style: chr1-196645117-A-G.
Other names: c.351-2A>G (NM_001014975.3).
Identifiers: ClinVar variation 4291678 (VCV004291678.1).